The following is an entry in ClinVar:

NM_000404.4(GLB1):c.780C>G (p.Pro260=)

Gene: GLB1 (galactosidase beta 1; minus strand). Cytogenetic location: 3p22.3.
Variant type: single nucleotide variant.
Coding change: c.780C>G on transcript NM_000404.4 (MANE Select); coding-DNA position 780, C replaced by G.
Protein change: p.Pro260=; no amino-acid change (proline 260 retained).
Molecular consequence: synonymous variant.
Genome position (GRCh38, 1-based): chr3:33,053,503, G>C on the plus strand (C>G on the coding strand, the complement: GLB1 is on the minus strand). VCF-style: chr3-33053503-G-C. GRCh37 (hg19) VCF-style: chr3-33094995-G-C.
Other names: c.690C>G, p.Pro230= (NM_001079811.3); c.387C>G, p.Pro129= (NM_001135602.3); c.924C>G, p.Pro308= (NM_001317040.2); c.780C>G, p.Pro260= (NM_001393580.1).
Identifiers: ClinVar variation 752013 (VCV000752013.34), dbSNP rs763307375, ClinGen allele CA2299603.

ClinVar aggregate classification (germline): Likely benign. Review status: criteria provided, multiple submitters, no conflicts (2 of 4 stars). 3 submissions from 3 submitters: Likely benign (3). Last evaluated 2026-01-31.

Conditions:
Mucopolysaccharidosis, MPS-IV-B (MPS4B). Also called: Mucopolysaccharidosis Type IVB (Morquio B Disease); MORQUIO SYNDROME B; Mucopolysaccharidosis type IV B; Mucopolysaccharidosis Type IVB; Mucopolysaccharidosis type 4B; Mucopolysaccharidosis type IVB (Morquio). Identifiers: Orphanet 309310, Orphanet 582, MedGen C0086652, MONDO:0009660, OMIM 253010.
GM1 gangliosidosis. Identifiers: Orphanet 354, MedGen C0085131, MONDO:0018149.

Allele frequency attached by ClinVar (database versions not stated): ExAC 0.00001; gnomAD exomes 0.00001 and 0.00004; gnomAD 0.00002; TOPMed 0.00002.
gnomAD v4.1: 59 of 1,614,000 alleles (0.0037%); highest among the groups gnomAD compares: Middle Eastern, 0.016%; no homozygotes.

Submissions (3):

Labcorp Genetics (formerly Invitae), Labcorp
Classification: Likely benign for Mucopolysaccharidosis, MPS-IV-B; GM1 gangliosidosis. Last evaluated: 2026-01-31. Review status: criteria provided, single submitter. Criteria: Invitae Variant Classification Sherloc (09022015). Collection method: clinical testing. Allele origin: germline.

Blueprint Genetics
Classification: Likely benign. Last evaluated: 2024-10-01. Review status: criteria provided, single submitter. Criteria: ACMG Guidelines, 2015. Collection method: clinical testing. Allele origin: germline.

CeGaT Center for Human Genetics Tuebingen
Classification: Likely benign. Last evaluated: 2022-09-01. Review status: criteria provided, single submitter. Criteria: CeGaT Center For Human Genetics Tuebingen Variant Classification Criteria Version 2. Collection method: clinical testing. Allele origin: germline. Affected: yes. Observed: 1 variant allele.
Comment: GLB1: BP4, BP7